The following is an entry in ClinVar:

NM_006231.4(POLE):c.3335A>T (p.Lys1112Ile)

Gene: POLE (DNA polymerase epsilon, catalytic subunit; minus strand). Cytogenetic location: 12q24.33.
Variant type: single nucleotide variant.
Coding change: c.3335A>T on transcript NM_006231.4 (MANE Select); coding-DNA position 3335, A replaced by T.
Protein change: p.Lys1112Ile; replaces lysine 1112 with isoleucine.
Molecular consequence: missense variant.
Genome position (GRCh38, 1-based): chr12:132,657,911, T>A on the plus strand (A>T on the coding strand, the complement: POLE is on the minus strand). VCF-style: chr12-132657911-T-A. GRCh37 (hg19) VCF-style: chr12-133234497-T-A.
Other names: short protein forms K1112I.
Identifiers: ClinVar variation 3343603 (VCV003343603.1).

ClinVar aggregate classification (germline): Uncertain significance (1 of 4 stars; one submission).

Submission:

GeneDx
Classification: Uncertain significance. Last evaluated: 2023-05-19. Review status: criteria provided, single submitter. Criteria: GeneDx Variant Classification Process June 2021. Collection method: clinical testing. Allele origin: germline. Affected: yes.
Comment: Not observed at significant frequency in large population cohorts (gnomAD); In silico analysis supports that this missense variant has a deleterious effect on protein structure/function; Has not been previously published as pathogenic or benign to our knowledge